The following is an entry in ClinVar:

ClinVar aggregate classification (germline): Uncertain significance (1 of 4 stars; one submission).

Conditions:
PEX26-related disorder. Also called: PEX26-related condition.

gnomAD v4.1: 1 of 1,614,138 alleles (0.000062%); highest among the groups gnomAD compares: Non-Finnish European, 0.000085%; no homozygotes.

Submission:

PreventionGenetics, part of Exact Sciences
Classification: Uncertain significance for PEX26-related condition. Last evaluated: 2025-08-11. Review status: criteria provided, single submitter. Criteria: ACMG Guidelines, 2015. Collection method: clinical testing. Allele origin: germline.
Comment: The PEX26 c.427G>T variant is predicted to result in the amino acid substitution p.Ala143Ser. To our knowledge, this variant has not been reported in the literature or in gnomAD, indicating this variant is rare. At this time, the clinical significance of this variant is uncertain due to the absence of conclusive functional and genetic evidence.

NM_001127649.3(PEX26):c.427G>T (p.Ala143Ser)

Gene: PEX26 (peroxisomal biogenesis factor 26; plus strand). Cytogenetic location: 22q11.21.
Variant type: single nucleotide variant.
Coding change: c.427G>T on transcript NM_001127649.3 (MANE Select); coding-DNA position 427, G replaced by T.
Protein change: p.Ala143Ser; replaces alanine 143 with serine.
Molecular consequence: missense variant.
Genome position (GRCh38, 1-based): chr22:18,083,492, G>T. VCF-style: chr22-18083492-G-T. GRCh37 (hg19) VCF-style: chr22-18566258-G-T.
Other names: c.427G>T, p.Ala143Ser (NM_001199319.2, NM_017929.6); short protein forms A143S.
Identifiers: ClinVar variation 4987563 (VCV004987563.1).